The following is an entry in ClinVar:

NM_001374353.1(GLI2):c.319C>T (p.Pro107Ser)

Gene: GLI2 (GLI family zinc finger 2; plus strand). Cytogenetic location: 2q14.2.
Variant type: single nucleotide variant.
Coding change: c.319C>T on transcript NM_001374353.1 (MANE Select); coding-DNA position 319, C replaced by T.
Protein change: p.Pro107Ser; replaces proline 107 with serine.
Molecular consequence: missense variant. On other transcripts: 5 prime UTR variant (1).
Genome position (GRCh38, 1-based): chr2:120,951,307, C>T. VCF-style: chr2-120951307-C-T. GRCh37 (hg19) VCF-style: chr2-121708883-C-T.
Other names: c.319C>T, p.Pro107Ser (NM_001371271.1, NM_005270.5); c.-57C>T (NM_001374354.1); short protein forms P107S.
Identifiers: ClinVar variation 5042051 (VCV005042051.1).

ClinVar aggregate classification (germline): Uncertain significance (1 of 4 stars; one submission).

Conditions:
Postaxial polydactyly-anterior pituitary anomalies-facial dysmorphism syndrome. Also called: Culler-Jones syndrome. Identifiers: Orphanet 420584, MedGen C4014479, MONDO:0014369, OMIM 615849.

Submission:

Clinical Genetics Laboratory, University Hospital Schleswig-Holstein
Classification: Uncertain significance for Postaxial polydactyly-anterior pituitary anomalies-facial dysmorphism syndrome. Last evaluated: 2025-06-13. Review status: criteria provided, single submitter. Criteria: ACMG Guidelines, 2015. Collection method: clinical testing. Allele origin: maternal. Affected: yes. Observed: 1 heterozygote.
Comment: ACMG criteria applied: PM2, PP4_Moderate